The following is an entry in ClinVar:

ClinVar aggregate classification (germline): Uncertain significance (1 of 4 stars; one submission).

Conditions:
Primary ciliary dyskinesia. Also called: Ciliary dyskinesia. Identifiers: Orphanet 244, MedGen C0008780, MONDO:0016575, HP:0012265.

gnomAD v4.1: 2 of 1,613,672 alleles (0.00012%); highest among the groups gnomAD compares: African/African-American, 0.0027%; no homozygotes.

Submission:

Ambry Genetics
Classification: Uncertain significance for Primary ciliary dyskinesia. Last evaluated: 2026-08-29. Review status: criteria provided, single submitter. Criteria: Ambry Variant Classification Scheme 2023. Collection method: clinical testing. Allele origin: germline.
Comment: The p.I113T variant (also known as c.338T>C), located in coding exon 2 of the ARMC4 gene, results from a T to C substitution at nucleotide position 338. The isoleucine at codon 113 is replaced by threonine, an amino acid with similar properties. This amino acid position is conserved. In addition, this alteration is predicted to be tolerated by in silico analysis. Based on the available evidence, the clinical significance of this variant remains unclear.

NM_018076.5(ODAD2):c.338T>C (p.Ile113Thr)

Gene: ODAD2 (outer dynein arm docking complex subunit 2; minus strand). Cytogenetic location: 10p12.1.
Variant type: single nucleotide variant.
Coding change: c.338T>C on transcript NM_018076.5 (MANE Select); coding-DNA position 338, T replaced by C.
Protein change: p.Ile113Thr; replaces isoleucine 113 with threonine.
Molecular consequence: missense variant.
Genome position (GRCh38, 1-based): chr10:27,987,430, A>G on the plus strand (T>C on the coding strand, the complement: ODAD2 is on the minus strand). VCF-style: chr10-27987430-A-G. GRCh37 (hg19) VCF-style: chr10-28276359-A-G.
Other names: c.338T>C, p.Ile113Thr (NM_001290020.2); short protein forms I113T.
Identifiers: ClinVar variation 5026073 (VCV005026073.1).